The following is an entry in ClinVar:

ClinVar aggregate classification (germline): Uncertain significance (1 of 4 stars; one submission).

Allele frequency attached by ClinVar (database versions not stated): TOPMed below 0.00001; ExAC 0.00001; gnomAD 0.00001.
gnomAD v4.1: 6 of 1,614,070 alleles (0.00037%); highest among the groups gnomAD compares: Admixed American, 0.0067%; no homozygotes.

Submission:

Labcorp Genetics (formerly Invitae), Labcorp
Classification: Uncertain significance. Last evaluated: 2022-11-01. Review status: criteria provided, single submitter. Criteria: Invitae Variant Classification Sherloc (09022015). Collection method: clinical testing. Allele origin: germline.
Comment: In summary, the available evidence is currently insufficient to determine the role of this variant in disease. Therefore, it has been classified as a Variant of Uncertain Significance. Advanced modeling of protein sequence and biophysical properties (such as structural, functional, and spatial information, amino acid conservation, physicochemical variation, residue mobility, and thermodynamic stability) performed at Invitae indicates that this missense variant is expected to disrupt ALPK3 protein function. This variant has not been reported in the literature in individuals affected with ALPK3-related conditions. This variant is present in population databases (rs775358435, gnomAD 0.006%). This sequence change replaces glycine, which is neutral and non-polar, with arginine, which is basic and polar, at codon 1615 of the ALPK3 protein (p.Gly1615Arg). ClinVar contains an entry for this variant (Variation ID: 1411537).

NM_020778.5(ALPK3):c.4237G>A (p.Gly1413Arg)

Gene: ALPK3 (alpha kinase 3; plus strand). Cytogenetic location: 15q25.3.
Variant type: single nucleotide variant.
Coding change: c.4237G>A on transcript NM_020778.5 (MANE Select); coding-DNA position 4237, G replaced by A.
Protein change: p.Gly1413Arg; replaces glycine 1413 with arginine.
Molecular consequence: missense variant.
Genome position (GRCh38, 1-based): chr15:84,862,742, G>A. VCF-style: chr15-84862742-G-A. GRCh37 (hg19) VCF-style: chr15-85405973-G-A.
Other names: short protein forms G1413R.
Identifiers: ClinVar variation 1411537 (VCV001411537.6), dbSNP rs775358435, ClinGen allele CA7709905.